The following is an entry in ClinVar:

ClinVar aggregate classification (germline): Uncertain significance (1 of 4 stars; one submission).

Conditions:
Cardiovascular phenotype. Identifiers: MedGen CN230736.

Submission:

Molecular Diagnostic Laboratory for Inherited Cardiovascular Disease, Montreal Heart Institute
Classification: Uncertain significance for Cardiovascular phenotype. Last evaluated: 2025-07-24. Review status: criteria provided, single submitter. Criteria: ACMG Guidelines, 2015. Collection method: clinical testing. Allele origin: germline. Affected: yes.
Comment: PM2

NM_000257.4(MYH7):c.5057A>G (p.Glu1686Gly)

Genes: MHRT (myosin heavy chain associated RNA transcript; plus strand), MYH7 (myosin heavy chain 7; minus strand), LOC126861897 (BRD4-independent group 4 enhancer GRCh37_chr14:23884455-23885654; plus strand). Cytogenetic location: 14q11.2.
Variant type: single nucleotide variant.
Coding change: c.5057A>G on transcript NM_000257.4 (MANE Select); coding-DNA position 5057, A replaced by G.
Protein change: p.Glu1686Gly; replaces glutamic acid 1686 with glycine.
Molecular consequence: missense variant. On other transcripts: non-coding transcript variant (1).
Genome position (GRCh38, 1-based): chr14:23,415,729, T>C on the plus strand (A>G on the coding strand, the complement: MYH7 is on the minus strand). VCF-style: chr14-23415729-T-C. GRCh37 (hg19) VCF-style: chr14-23884938-T-C.
Other names: c.5057A>G, p.Glu1686Gly (NM_001407004.1); short protein forms E1686G.
Identifiers: ClinVar variation 4076449 (VCV004076449.1).
Genomic context (GRCh38, chr14:23,415,729, plus strand): 5'-AGCTCCTGCTCCGCCAGCTTCCGGGACCGCTCTGTCTGCTCCACCACGGCACGCAACTCC[T>C]CCAGCTCAGCCTGCAGCAGGTTGTTGCGCCGCTCCACGATGGCGATGTTCTCCTTCAGGT-3'
Protein context (NP_000248.2, residues 1676-1696): RRNNLLQAEL[Glu1686Gly]ELRAVVEQTE